The following is an entry in ClinVar:

ClinVar aggregate classification (germline): Uncertain significance (1 of 4 stars; one submission).

Submission:

Labcorp Genetics (formerly Invitae), Labcorp
Classification: Uncertain significance. Last evaluated: 2021-03-24. Review status: criteria provided, single submitter. Criteria: Invitae Variant Classification Sherloc (09022015). Collection method: clinical testing. Allele origin: germline.
Comment: In summary, the available evidence is currently insufficient to determine the role of this variant in disease. Therefore, it has been classified as a Variant of Uncertain Significance. Algorithms developed to predict the effect of missense changes on protein structure and function output the following: SIFT: "Tolerated"; PolyPhen-2: "Benign"; Align-GVGD: "Class C0". The glutamine amino acid residue is found in multiple mammalian species, suggesting that this missense change does not adversely affect protein function. These predictions have not been confirmed by published functional studies and their clinical significance is uncertain. This variant has not been reported in the literature in individuals with TUBGCP6-related conditions. This variant is not present in population databases (ExAC no frequency). This sequence change replaces histidine with glutamine at codon 851 of the TUBGCP6 protein (p.His851Gln). The histidine residue is weakly conserved and there is a small physicochemical difference between histidine and glutamine.

NM_020461.4(TUBGCP6):c.2553C>G (p.His851Gln)

Gene: TUBGCP6 (tubulin gamma complex component 6; minus strand). Cytogenetic location: 22q13.33.
Variant type: single nucleotide variant.
Coding change: c.2553C>G on transcript NM_020461.4 (MANE Select); coding-DNA position 2553, C replaced by G.
Protein change: p.His851Gln; replaces histidine 851 with glutamine.
Molecular consequence: missense variant.
Genome position (GRCh38, 1-based): chr22:50,221,806, G>C on the plus strand (C>G on the coding strand, the complement: TUBGCP6 is on the minus strand). VCF-style: chr22-50221806-G-C. GRCh37 (hg19) VCF-style: chr22-50660235-G-C.
Other names: short protein forms H851Q.
Identifiers: ClinVar variation 1353043 (VCV001353043.8), dbSNP rs754549763, ClinGen allele CA412097506.
Genomic context (GRCh38, chr22:50,221,806, plus strand): 5'-AGGCTTAAGGGGCTGTGGGGTCAGCAGGCCTGGCCTGTTCCAGCCATCCCAGGCAGGCGA[G>C]TGTTGCTCTGCAGACCCAGAATCACAGCCTTGGCCTCCCTCTGGGTGCTCAGGGCCCGGA-3'
Protein context (NP_065194.3, residues 841-861): QGCDSGSAEQ[His851Gln]SPAWDGWNRP